The following is an entry in ClinVar:

ClinVar aggregate classification (germline): Uncertain significance (1 of 4 stars; one submission).

Conditions:
Cowden syndrome (CS). Also called: Cowden's disease; Cowden's syndrome; Cowden disease. Identifiers: Orphanet 201, MedGen C0018553, MONDO:0016063. Disease mechanism: gain of function.

Allele frequency attached by ClinVar (database versions not stated): gnomAD exomes below 0.00001; TOPMed below 0.00001; ExAC 0.00001.
gnomAD v4.1: 5 of 1,612,582 alleles (0.00031%); highest among the groups gnomAD compares: Non-Finnish European, 0.00042%; no homozygotes.

Submission:

Labcorp Genetics (formerly Invitae), Labcorp
Classification: Uncertain significance for Cowden syndrome. Last evaluated: 2022-07-19. Review status: criteria provided, single submitter. Criteria: Invitae Variant Classification Sherloc (09022015). Collection method: clinical testing. Allele origin: germline.
Comment: In summary, the available evidence is currently insufficient to determine the role of this variant in disease. Therefore, it has been classified as a Variant of Uncertain Significance. Algorithms developed to predict the effect of missense changes on protein structure and function are either unavailable or do not agree on the potential impact of this missense change (SIFT: "Deleterious"; PolyPhen-2: "Benign"; Align-GVGD: "Class C0"). ClinVar contains an entry for this variant (Variation ID: 1010336). This variant has not been reported in the literature in individuals affected with PIK3CA-related conditions. This variant is present in population databases (rs541134560, gnomAD 0.0009%). This sequence change replaces valine, which is neutral and non-polar, with isoleucine, which is neutral and non-polar, at codon 196 of the PIK3CA protein (p.Val196Ile).

NM_006218.4(PIK3CA):c.586G>A (p.Val196Ile)

Gene: PIK3CA (phosphatidylinositol-4,5-bisphosphate 3-kinase catalytic subunit alpha; plus strand). Cytogenetic location: 3q26.32.
Variant type: single nucleotide variant.
Coding change: c.586G>A on transcript NM_006218.4 (MANE Select); coding-DNA position 586, G replaced by A.
Protein change: p.Val196Ile; replaces valine 196 with isoleucine.
Molecular consequence: missense variant.
Genome position (GRCh38, 1-based): chr3:179,201,313, G>A. VCF-style: chr3-179201313-G-A. GRCh37 (hg19) VCF-style: chr3-178919101-G-A.
Other names: short protein forms V196I.
Identifiers: ClinVar variation 1010336 (VCV001010336.5), dbSNP rs541134560, ClinGen allele CA2710573.